The following is an entry in ClinVar:

ClinVar aggregate classification (germline): Likely benign. Review status: criteria provided, multiple submitters, no conflicts (2 of 4 stars). 3 submissions from 3 submitters: Likely benign (2). 1 of the submissions does not count toward it. Last evaluated 2024-07-22.

Conditions:
Inborn genetic diseases. Identifiers: MedGen C0950123, MeSH D030342.
CDKL5 disorder. Identifiers: MedGen CN296942, MONDO:0100039.

Allele frequency attached by ClinVar (database versions not stated): gnomAD exomes 0.00001.

Submissions (3):

Centre for Population Genomics, CPG
Classification: Likely benign for CDKL5 disorder. Last evaluated: 2024-07-22. Review status: criteria provided, single submitter. Criteria: McKnight et al. (Hum Mutat. 2022). Collection method: curation. Allele origin: germline. Inheritance: X-linked inheritance.
Comment: This variant has been collected from RettBASE and curated to current modified ACMG/AMP criteria. Based on the classification scheme defined by the ClinGen Rett/Angelman-like Expert Panel for Rett/AS-like Disorders Specifications to the ACMG/AMP Variant Interpretation Guidelines VCEP 3.0, this variant is classified as likely benign. At least the following criteria are met: The allele frequency of this variant in at least one population in gnomAD is between 0.008% and 0.03% (BS1). Computational prediction analysis tools suggest no impact on gene product (REVEL score <= 0.15), The computational splicing predictor SpliceAI does not support significant splicing alteration (score of <=0.1) (BP4).

Ambry Genetics
Classification: Likely benign for Inborn genetic diseases. Last evaluated: 2024-01-19. Review status: criteria provided, single submitter. Criteria: Ambry Variant Classification Scheme 2023. Collection method: clinical testing. Allele origin: germline.

RettBASE
Classification: Likely benign. Last evaluated: 2014-03-13. Review status: no assertion criteria provided. Collection method: curation. Allele origin: unknown. Observed: 1 variant allele. Not counted in ClinVar's aggregate classification.
Comment: In exon 20, affecting only the transcript lowly expressed; In silico prediction: SIFT = tolerated, MutationTaster = polymorphism, PolyPhen2 = benign, AlignGVGD = benign (C0)

Literature cited by the submitters: PubMed 20479760 (cited by RettBASE).

NM_000330.4(RS1):c.184+3218A>C

Genes: CDKL5 (cyclin dependent kinase like 5; plus strand), RS1 (retinoschisin 1; minus strand). Cytogenetic location: Xp22.13.
Variant type: single nucleotide variant.
Coding change: c.184+3218A>C on transcript NM_000330.4 (MANE Select); 3218 bases into the intron after coding-DNA position 184, A replaced by C.
Molecular consequence: intron variant. On other transcripts: missense variant (2).
Genome position (GRCh38, 1-based): chrX:18,653,435, T>G on the plus strand (A>C on the coding strand, the complement: RS1 is on the minus strand). VCF-style: chrX-18653435-T-G. GRCh37 (hg19) VCF-style: chrX-18671555-T-G.
Other names: c.2984T>G, p.Phe995Cys (NM_001037343.2, NM_003159.3); short protein forms F995C.
Identifiers: ClinVar variation 143813 (VCV000143813.7), dbSNP rs267608666, ClinGen allele CA170487.